The following is an entry in ClinVar:

ClinVar aggregate classification (germline): Uncertain significance (1 of 4 stars; one submission).

Conditions:
Familial cold autoinflammatory syndrome 3 (FCAS3). Also called: ANTIBODY DEFICIENCY AND IMMUNE DYSREGULATION, PLCG2-ASSOCIATED; FAMILIAL ATYPICAL COLD URTICARIA. Identifiers: Orphanet 300359, MedGen C3280914, MONDO:0013766, OMIM 614468.

Allele frequency attached by ClinVar (database versions not stated): gnomAD 0.00001; ExAC 0.00003; gnomAD exomes 0.00003 and 0.00006.
gnomAD v4.1: 82 of 1,595,488 alleles (0.0051%); highest among the groups gnomAD compares: Non-Finnish European, 0.0067%; no homozygotes.

Submission:

Labcorp Genetics (formerly Invitae), Labcorp
Classification: Uncertain significance for Familial cold autoinflammatory syndrome 3. Last evaluated: 2025-01-13. Review status: criteria provided, single submitter. Criteria: Invitae Variant Classification Sherloc (09022015). Collection method: clinical testing. Allele origin: germline.
Comment: This sequence change replaces glutamine, which is neutral and polar, with glutamic acid, which is acidic and polar, at codon 260 of the PLCG2 protein (p.Gln260Glu). This variant is present in population databases (rs772517191, gnomAD 0.002%). This variant has not been reported in the literature in individuals affected with PLCG2-related conditions. ClinVar contains an entry for this variant (Variation ID: 1420357). An algorithm developed to predict the effect of missense changes on protein structure and function (PolyPhen-2) suggests that this variant is likely to be tolerated. In summary, the available evidence is currently insufficient to determine the role of this variant in disease. Therefore, it has been classified as a Variant of Uncertain Significance.

NM_002661.5(PLCG2):c.778C>G (p.Gln260Glu)

Gene: PLCG2 (phospholipase C gamma 2; plus strand). Cytogenetic location: 16q23.3.
Variant type: single nucleotide variant.
Coding change: c.778C>G on transcript NM_002661.5 (MANE Select); coding-DNA position 778, C replaced by G.
Protein change: p.Gln260Glu; replaces glutamine 260 with glutamic acid.
Molecular consequence: missense variant.
Genome position (GRCh38, 1-based): chr16:81,889,184, C>G. VCF-style: chr16-81889184-C-G. GRCh37 (hg19) VCF-style: chr16-81922789-C-G.
Other names: short protein forms Q260E.
Identifiers: ClinVar variation 1420357 (VCV001420357.8), dbSNP rs772517191, ClinGen allele CA8193454.